The following is an entry in ClinVar:

ClinVar aggregate classification (germline): Uncertain significance (1 of 4 stars; one submission).

Conditions:
EGFR-related lung cancer (EGFR). Identifiers: MedGen CN130014.

gnomAD v4.1: 1 of 1,614,022 alleles (0.000062%); highest among the groups gnomAD compares: African/African-American, 0.0013%; no homozygotes.

Submission:

Labcorp Genetics (formerly Invitae), Labcorp
Classification: Uncertain significance for EGFR-related lung cancer. Last evaluated: 2025-12-15. Review status: criteria provided, single submitter. Criteria: Invitae Variant Classification Sherloc (09022015). Collection method: clinical testing. Allele origin: germline.
Comment: This sequence change replaces alanine, which is neutral and non-polar, with valine, which is neutral and non-polar, at codon 1158 of the EGFR protein (p.Ala1158Val). This variant is not present in population databases (gnomAD no frequency). This variant has not been reported in the literature in individuals affected with EGFR-related conditions. An algorithm developed to predict the effect of missense changes on protein structure and function outputs the following: PolyPhen-2: "Benign". The valine amino acid residue is found in multiple mammalian species, which suggests that this missense change does not adversely affect protein function. In summary, the available evidence is currently insufficient to determine the role of this variant in disease. Therefore, it has been classified as a Variant of Uncertain Significance.

NM_005228.5(EGFR):c.3473C>T (p.Ala1158Val)

Gene: EGFR (epidermal growth factor receptor; plus strand). Cytogenetic location: 7p11.2.
Variant type: single nucleotide variant.
Coding change: c.3473C>T on transcript NM_005228.5 (MANE Select); coding-DNA position 3473, C replaced by T.
Protein change: p.Ala1158Val; replaces alanine 1158 with valine.
Molecular consequence: missense variant.
Genome position (GRCh38, 1-based): chr7:55,205,457, C>T. VCF-style: chr7-55205457-C-T. GRCh37 (hg19) VCF-style: chr7-55273150-C-T.
Other names: c.2672C>T, p.Ala891Val (NM_001346941.2); c.3338C>T, p.Ala1113Val (NM_001346899.2); c.3314C>T, p.Ala1105Val (NM_001346900.2); short protein forms A891V, A1158V, A1113V, A1105V.
Identifiers: ClinVar variation 4732100 (VCV004732100.1).